The following is an entry in ClinVar:

NM_000094.4(COL7A1):c.5597G>C (p.Gly1866Ala)

Gene: COL7A1 (collagen type VII alpha 1 chain; minus strand). Cytogenetic location: 3p21.31.
Variant type: single nucleotide variant.
Coding change: c.5597G>C on transcript NM_000094.4 (MANE Select); coding-DNA position 5597, G replaced by C.
Protein change: p.Gly1866Ala; replaces glycine 1866 with alanine.
Molecular consequence: missense variant.
Genome position (GRCh38, 1-based): chr3:48,576,891, C>G on the plus strand (G>C on the coding strand, the complement: COL7A1 is on the minus strand). VCF-style: chr3-48576891-C-G. GRCh37 (hg19) VCF-style: chr3-48614324-C-G.
Other names: short protein forms G1866A.
Identifiers: ClinVar variation 2173796 (VCV002173796.2), dbSNP rs1342397080, ClinGen allele CA352668953.

ClinVar aggregate classification (germline): Conflicting classifications of pathogenicity. Review status: criteria provided, conflicting classifications (1 of 4 stars). 2 submissions from 2 submitters: Likely pathogenic (1); Uncertain significance (1). Last evaluated 2024-05-07.

Conditions:
Nonsyndromic congenital nail disorder 8. Also called: TOENAIL DYSTROPHY, ISOLATED. Identifiers: MedGen C1843761, MONDO:0011852, OMIM 607523.
Transient bullous dermolysis of the newborn (TBDN). Also called: DYSTROPHIC EPIDERMOLYSIS BULLOSA, NEONATAL; EPIDERMOLYSIS BULLOSA DYSTROPHICA, NEONATAL FORM. Identifiers: Orphanet 79411, MedGen C1851573, MONDO:0007548, OMIM 131705.
Pretibial dystrophic epidermolysis bullosa. Also called: EPIDERMOLYSIS BULLOSA DYSTROPHICA, PRETIBIAL; Pretibial epidermolysis bullosa; Pretibial blistering. Identifiers: Orphanet 79410, MedGen C0432321, MONDO:0007552, OMIM 131850, HP:0012221.
Recessive dystrophic epidermolysis bullosa (RDEB). Also called: DYSTROPHIC EPIDERMOLYSIS BULLOSA, AUTOSOMAL RECESSIVE; EPIDERMOLYSIS BULLOSA DYSTROPHICA, HALLOPEAU-SIEMENS TYPE; EPIDERMOLYSIS BULLOSA DYSTROPHICA, GENERALIZED SEVERE, AUTOSOMAL RECESSIVE; epidermolysis bullosa dystrophica, autosomal recessive; Recessive DEB (RDEB); Hallopeau-Siemens Disease. Identifiers: Orphanet 79408, Orphanet 79409, MedGen C0079474, MONDO:0009179, OMIM 226600.
Dominant dystrophic epidermolysis bullosa with absence of skin. Also called: EPIDERMOLYSIS BULLOSA WITH CONGENITAL LOCALIZED ABSENCE OF SKIN AND DEFORMITY OF NAILS; EPIDERMOLYSIS BULLOSA DYSTROPHICA, BART TYPE. Identifiers: MedGen C0268371, MONDO:0007557, OMIM 132000.
Generalized dominant dystrophic epidermolysis bullosa (DDEB). Also called: Dominant DEB (DDEB); DDEB, generalized; DDEB-gen; DYSTROPHIC EPIDERMOLYSIS BULLOSA, AUTOSOMAL DOMINANT; Epidermolysis bullosa dystrophica, autosomal dominant. Identifiers: Orphanet 231568, MedGen C0432322, MONDO:0007549, OMIM 131750.
Epidermolysis bullosa pruriginosa. Also called: DEB, PRURIGINOSA; DYSTROPHIC EPIDERMOLYSIS BULLOSA PRURIGINOSA. Identifiers: Orphanet 89843, MedGen C1275114, MONDO:0011398, OMIM 604129.

Allele frequency attached by ClinVar (database versions not stated): gnomAD exomes below 0.00001; gnomAD 0.00001; TOPMed 0.00002.
gnomAD v4.1: 3 of 1,613,936 alleles (0.00019%); highest among the groups gnomAD compares: East Asian, 0.0067%; no homozygotes.

Submissions (2):

Fulgent Genetics
Classification: Likely pathogenic for Transient bullous dermolysis of the newborn; Generalized dominant dystrophic epidermolysis bullosa; Pretibial dystrophic epidermolysis bullosa; Dominant dystrophic epidermolysis bullosa with absence of skin; Recessive dystrophic epidermolysis bullosa; Epidermolysis bullosa pruriginosa; Nonsyndromic congenital nail disorder 8. Last evaluated: 2024-05-07. Review status: criteria provided, single submitter. Criteria: ACMG Guidelines, 2015. Collection method: clinical testing. Allele origin: germline.

Labcorp Genetics (formerly Invitae), Labcorp
Classification: Uncertain significance. Last evaluated: 2022-08-30. Review status: criteria provided, single submitter. Criteria: Invitae Variant Classification Sherloc (09022015). Collection method: clinical testing. Allele origin: germline.
Comment: This sequence change replaces glycine, which is neutral and non-polar, with alanine, which is neutral and non-polar, at codon 1866 of the COL7A1 protein (p.Gly1866Ala). This variant is not present in population databases (gnomAD no frequency). This variant has not been reported in the literature in individuals affected with COL7A1-related conditions. Advanced modeling of protein sequence and biophysical properties (such as structural, functional, and spatial information, amino acid conservation, physicochemical variation, residue mobility, and thermodynamic stability) performed at Invitae indicates that this missense variant is expected to disrupt COL7A1 protein function. This variant disrupts the triple helix domain of COL7A1. Glycine residues within the Gly-Xaa-Yaa repeats of the triple helix domain are required for the structure and stability of fibrillar collagens (PMID: 7695699, 8218237, 19344236), and variants at these glycine residues in COL7A1 are more frequently observed in individuals with disease than in the general population (PMID: 22058051). However, the clinical significance of this observation remains uncertain since only a limited number of affected individuals have been described to date. In summary, the available evidence is currently insufficient to determine the role of this variant in disease. Therefore, it has been classified as a Variant of Uncertain Significance.

Literature cited by the submitters: PubMed 7695699 (cited by Labcorp Genetics (formerly Invitae), Labcorp); PubMed 8218237 (cited by Labcorp Genetics (formerly Invitae), Labcorp); PubMed 19344236 (cited by Labcorp Genetics (formerly Invitae), Labcorp); PubMed 22058051 (cited by Labcorp Genetics (formerly Invitae), Labcorp).